The following is an entry in ClinVar:

ClinVar aggregate classification (germline): Likely benign. Review status: criteria provided, single submitter (1 of 4 stars). 2 submissions from 2 submitters: Likely benign (1). 1 of the submissions does not count toward it. Last evaluated 2023-03-01.

Conditions:
FSIP2-related disorder. Also called: FSIP2-related condition.

Allele frequency attached by ClinVar (database versions not stated): ESP Exome Variant Server 0.00017; TOPMed 0.00057; gnomAD 0.00122; 1000 Genomes Project 30x 0.00156; 1000 Genomes Project 0.00180.
gnomAD v4.1: 1,565 of 1,612,114 alleles (0.097%); highest among the groups gnomAD compares: East Asian, 0.96%; 8 homozygotes.

Submissions (2):

CeGaT Center for Human Genetics Tuebingen
Classification: Likely benign. Last evaluated: 2023-03-01. Review status: criteria provided, single submitter. Criteria: CeGaT Center For Human Genetics Tuebingen Variant Classification Criteria Version 2. Collection method: clinical testing. Allele origin: germline. Affected: yes. Observed: 1 variant allele.
Comment: FSIP2: BP4, BP7, BS2

PreventionGenetics, part of Exact Sciences
Classification: Benign for FSIP2-related condition. Last evaluated: 2019-08-14. Review status: no assertion criteria provided. Collection method: clinical testing. Allele origin: germline. Not counted in ClinVar's aggregate classification.
Comment: This variant is classified as benign based on ACMG/AMP sequence variant interpretation guidelines (Richards et al. 2015 PMID: 25741868, with internal and published modifications).

NM_173651.4(FSIP2):c.18447C>T (p.Ile6149=)

Gene: FSIP2 (fibrous sheath interacting protein 2; plus strand). Cytogenetic location: 2q32.1.
Variant type: single nucleotide variant.
Coding change: c.18447C>T on transcript NM_173651.4 (MANE Select); coding-DNA position 18447, C replaced by T.
Protein change: p.Ile6149=; no amino-acid change (isoleucine 6149 retained).
Molecular consequence: synonymous variant.
Genome position (GRCh38, 1-based): chr2:185,807,753, C>T. VCF-style: chr2-185807753-C-T. GRCh37 (hg19) VCF-style: chr2-186672480-C-T.
Other names: c.18447C>T (NM_173651.3).
Identifiers: ClinVar variation 2651755 (VCV002651755.25), dbSNP rs138135058, ClinGen allele CA2017559.